The following is an entry in ClinVar:

NM_003573.2(LTBP4):c.76-2A>C

Gene: LTBP4 (latent transforming growth factor beta binding protein 4; plus strand). Cytogenetic location: 19q13.2.
Variant type: single nucleotide variant.
Coding change: c.76-2A>C on transcript NM_003573.2; the canonical splice acceptor site of the intron before coding-DNA position 76, A replaced by C.
Molecular consequence: splice acceptor variant. On other transcripts: intron variant (1).
Genome position (GRCh38, 1-based): chr19:40,599,400, A>C. VCF-style: chr19-40599400-A-C. GRCh37 (hg19) VCF-style: chr19-41105306-A-C.
Other names: c.206-21A>C (NM_001042544.1).
Identifiers: ClinVar variation 4779018 (VCV004779018.1).

ClinVar aggregate classification (germline): Likely pathogenic (1 of 4 stars; one submission).

gnomAD v4.1: 1 of 1,610,794 alleles (0.000062%); highest among the groups gnomAD compares: Non-Finnish European, 0.000085%; no homozygotes.

Submission:

Labcorp Genetics (formerly Invitae), Labcorp
Classification: Likely pathogenic. Last evaluated: 2025-11-22. Review status: criteria provided, single submitter. Criteria: Invitae Variant Classification Sherloc (09022015). Collection method: clinical testing. Allele origin: germline.
Comment: This sequence change affects an acceptor splice site in intron 2 of the LTBP4 gene. It is expected to disrupt RNA splicing. Variants that disrupt the donor or acceptor splice site typically lead to a loss of protein function (PMID: 16199547), and loss-of-function variants in LTBP4 are known to be pathogenic (PMID: 19836010, 22829427). This variant is not present in population databases (gnomAD no frequency). This variant has not been reported in the literature in individuals affected with LTBP4-related conditions. In summary, the currently available evidence indicates that the variant is pathogenic, but additional data are needed to prove that conclusively. Therefore, this variant has been classified as Likely Pathogenic.

Literature cited by the submitters: PubMed 16199547; PubMed 19836010; PubMed 22829427.